The following is an entry in ClinVar:

NM_001042492.3(NF1):c.785G>A (p.Arg262His)

Gene: NF1 (neurofibromin 1; plus strand). Cytogenetic location: 17q11.2.
Variant type: single nucleotide variant.
Coding change: c.785G>A on transcript NM_001042492.3 (MANE Select); coding-DNA position 785, G replaced by A.
Protein change: p.Arg262His; replaces arginine 262 with histidine.
Molecular consequence: missense variant.
Genome position (GRCh38, 1-based): chr17:31,182,562, G>A. VCF-style: chr17-31182562-G-A. GRCh37 (hg19) VCF-style: chr17-29509580-G-A.
Other names: c.785G>A, p.Arg262His (NM_000267.4, NM_001128147.3); short protein forms R262H.
Identifiers: ClinVar variation 527524 (VCV000527524.11), dbSNP rs1555608957, ClinGen allele CA398990832.
Genomic context (GRCh38, chr17:31,182,562, plus strand): 5'-ATGCAGAATGTGCAGAAAAGCTATTTGACTTGGTGGATGGTTTTGCTGAAAGCACCAAAC[G>A]TAAAGCAGCAGTTTGGCCACTACAAATCATTCTCCTTATCTTGTGTCCAGAAATAATCCA-3'
Protein context (NP_001035957.1, residues 252-272): LVDGFAESTK[Arg262His]KAAVWPLQII

ClinVar aggregate classification (germline): Uncertain significance. Review status: criteria provided, multiple submitters, no conflicts (2 of 4 stars). 3 submissions from 3 submitters: Uncertain significance (3). Last evaluated 2025-03-31.

Conditions:
Cardiovascular phenotype. Identifiers: MedGen CN230736.
Hereditary cancer-predisposing syndrome. Also called: Neoplastic Syndromes, Hereditary; Tumor predisposition; Hereditary neoplastic syndrome; Hereditary Cancer Syndrome. Identifiers: Orphanet 140162, MedGen C0027672, MeSH D009386, MONDO:0015356.
Neurofibromatosis, type 1 (NF1). Also called: VON RECKLINGHAUSEN DISEASE; NEUROFIBROMATOSIS, TYPE I, SOMATIC; Peripheral type neurofibromatosis; Neurofibromatosis, type I. Identifiers: Orphanet 636, MedGen C0027831, MONDO:0018975, OMIM 162200. Disease mechanism: loss of function.

Allele frequency attached by ClinVar (database versions not stated): TOPMed 0.00001.

Submissions (3):

GeneDx
Classification: Uncertain significance. Last evaluated: 2025-03-31. Review status: criteria provided, single submitter. Criteria: GeneDx Variant Classification Process June 2021. Collection method: clinical testing. Allele origin: germline. Affected: yes.
Comment: Not observed at significant frequency in large population cohorts (gnomAD); In silico analysis supports that this missense variant has a deleterious effect on protein structure/function; Has not been previously published as pathogenic or benign to our knowledge

Labcorp Genetics (formerly Invitae), Labcorp
Classification: Uncertain significance for Neurofibromatosis, type 1. Last evaluated: 2024-12-19. Review status: criteria provided, single submitter. Criteria: Invitae Variant Classification Sherloc (09022015). Collection method: clinical testing. Allele origin: germline.
Comment: This sequence change replaces arginine, which is basic and polar, with histidine, which is basic and polar, at codon 262 of the NF1 protein (p.Arg262His). This variant is not present in population databases (gnomAD no frequency). This variant has not been reported in the literature in individuals affected with NF1-related conditions. ClinVar contains an entry for this variant (Variation ID: 527524). Invitae Evidence Modeling of protein sequence and biophysical properties (such as structural, functional, and spatial information, amino acid conservation, physicochemical variation, residue mobility, and thermodynamic stability) indicates that this missense variant is expected to disrupt NF1 protein function with a positive predictive value of 95%. In summary, the available evidence is currently insufficient to determine the role of this variant in disease. Therefore, it has been classified as a Variant of Uncertain Significance.

Ambry Genetics
Classification: Uncertain significance for Cardiovascular phenotype; Hereditary cancer-predisposing syndrome. Last evaluated: 2023-10-18. Review status: criteria provided, single submitter. Criteria: Ambry Variant Classification Scheme 2023. Collection method: clinical testing. Allele origin: germline.
Comment: The p.R262H variant (also known as c.785G>A), located in coding exon 8 of the NF1 gene, results from a G to A substitution at nucleotide position 785. The arginine at codon 262 is replaced by histidine, an amino acid with highly similar properties. This variant was reported in 1/60,466 breast cancer cases and in 0/53,461 controls (Dorling et al. N Engl J Med. 2021 02;384:428-439). ( et al. N Engl J Med, 2021 02;384:428-439). This amino acid position is highly conserved in available vertebrate species. In addition, this alteration is predicted to be deleterious by in silico analysis. Since supporting evidence is limited at this time, the clinical significance of this alteration remains unclear.